The following is an entry in ClinVar:

NM_004320.6(ATP2A1):c.1183G>T (p.Val395Phe)

Gene: ATP2A1 (ATPase sarcoplasmic/endoplasmic reticulum Ca2+ transporting 1; plus strand). Cytogenetic location: 16p11.2.
Variant type: single nucleotide variant.
Coding change: c.1183G>T on transcript NM_004320.6 (MANE Select); coding-DNA position 1183, G replaced by T.
Protein change: p.Val395Phe; replaces valine 395 with phenylalanine.
Molecular consequence: missense variant.
Genome position (GRCh38, 1-based): chr16:28,894,242, G>T. VCF-style: chr16-28894242-G-T. GRCh37 (hg19) VCF-style: chr16-28905563-G-T.
Other names: c.808G>T, p.Val270Phe (NM_001286075.2); c.1183G>T, p.Val395Phe (NM_173201.5); short protein forms V270F, V395F.
Identifiers: ClinVar variation 2840567 (VCV002840567.1), dbSNP rs2506315122, ClinGen allele CA395407064.
Genomic context (GRCh38, chr16:28,894,242, plus strand): 5'-GACATCTGCCTCCTGAATGAGTTCTCCATCACCGGCTCCACTTACGCTCCAGAGGGAGAG[G>T]TGTAAGTCACCCAGGCATCTTCTCCCCAGCTCCTCACGCCCCTTCCCACACCCCCTTTCT-3'
Protein context (NP_004311.1, residues 385-405): TGSTYAPEGE[Val395Phe]LKNDKPVRPG

ClinVar aggregate classification (germline): Uncertain significance (1 of 4 stars; one submission).

Conditions:
Brody myopathy. Also called: BRODY DISEASE. Identifiers: Orphanet 53347, MedGen C1832918, MONDO:0010977, OMIM 601003.

Submission:

Labcorp Genetics (formerly Invitae), Labcorp
Classification: Uncertain significance for Brody myopathy. Last evaluated: 2023-10-09. Review status: criteria provided, single submitter. Criteria: Invitae Variant Classification Sherloc (09022015). Collection method: clinical testing. Allele origin: germline.
Comment: This sequence change replaces valine, which is neutral and non-polar, with phenylalanine, which is neutral and non-polar, at codon 395 of the ATP2A1 protein (p.Val395Phe). This variant is not present in population databases (gnomAD no frequency). This variant has not been reported in the literature in individuals affected with ATP2A1-related conditions. An algorithm developed to predict the effect of missense changes on protein structure and function (PolyPhen-2) suggests that this variant¬†is likely to be tolerated. Algorithms developed to predict the effect of sequence changes on RNA splicing suggest that this variant may disrupt the consensus splice site. In summary, the available evidence is currently insufficient to determine the role of this variant in disease. Therefore, it has been classified as a Variant of Uncertain Significance.